The following is an entry in ClinVar:

ClinVar aggregate classification (germline): Likely benign. Review status: criteria provided, multiple submitters, no conflicts (2 of 4 stars). 3 submissions from 3 submitters: Likely benign (3). Last evaluated 2026-01-02.

Conditions:
PEX3-related disorder. Also called: PEX3-related condition.

Submissions (3):

Labcorp Genetics (formerly Invitae), Labcorp
Classification: Likely benign. Last evaluated: 2026-01-02. Review status: criteria provided, single submitter. Criteria: Invitae Variant Classification Sherloc (09022015). Collection method: clinical testing. Allele origin: germline.

PreventionGenetics, part of Exact Sciences
Classification: Likely benign for PEX3-related condition. Last evaluated: 2025-02-05. Review status: criteria provided, single submitter. Criteria: ACMG Guidelines, 2015. Collection method: clinical testing. Allele origin: germline.
Comment: This variant is classified as likely benign based on ACMG/AMP sequence variant interpretation guidelines (Richards et al. 2015 PMID: 25741868, with internal and published modifications).

Blueprint Genetics
Classification: Likely benign. Last evaluated: 2023-02-21. Review status: criteria provided, single submitter. Criteria: ACMG Guidelines, 2015. Collection method: clinical testing. Allele origin: germline.

NM_003630.3(PEX3):c.1039-6del

Gene: PEX3 (peroxisomal biogenesis factor 3; plus strand). Cytogenetic location: 6q24.2.
Variant type: Deletion.
Coding change: c.1039-6del on transcript NM_003630.3 (MANE Select); 6 bases into the intron before coding-DNA position 1039, one base deleted (T; older notation c.1039-6delT).
Molecular consequence: intron variant.
Genome position (GRCh38, 1-based): chr6:143,489,137, T deleted; the last of 3 consecutive T bases (chr6:143,489,135-143,489,137); deleting any one gives the same sequence. VCF-style (leftmost placement, unchanged base first): chr6-143489134-CT-C. GRCh37 (hg19) VCF-style: chr6-143810271-CT-C.
Other names: c.1039-6delT (NM_003630.2).
Identifiers: ClinVar variation 1127229 (VCV001127229.11), dbSNP rs753148705, ClinGen allele CA4029741.